The following is an entry in ClinVar:

ClinVar aggregate classification (germline): Uncertain significance. Review status: criteria provided, multiple submitters, no conflicts (2 of 4 stars). 4 submissions from 4 submitters: Uncertain significance (4). Last evaluated 2024-02-06.

Conditions:
Retinitis pigmentosa (RP). Identifiers: Orphanet 791, MedGen C0035334, MeSH D012174, MONDO:0019200, OMIM 268000. Inheritance: Autosomal dominant, autosomal recessive and X linked inheritance.
Inborn genetic diseases. Identifiers: MedGen C0950123, MeSH D030342.

Allele frequency attached by ClinVar (database versions not stated): gnomAD below 0.00001 and 0.00003; TOPMed 0.00002; ExAC 0.00015; gnomAD exomes 0.00018.

Submissions (4):

Blueprint Genetics
Classification: Uncertain significance. Last evaluated: 2024-02-06. Review status: criteria provided, single submitter. Criteria: ACMG Guidelines, 2015. Collection method: clinical testing. Allele origin: germline.

Labcorp Genetics (formerly Invitae), Labcorp
Classification: Uncertain significance. Last evaluated: 2023-06-20. Review status: criteria provided, single submitter. Criteria: Invitae Variant Classification Sherloc (09022015). Collection method: clinical testing. Allele origin: germline.
Comment: This sequence change replaces proline, which is neutral and non-polar, with histidine, which is basic and polar, at codon 585 of the RBP3 protein (p.Pro585His). This variant is present in population databases (rs781830183, gnomAD 0.1%). This variant has not been reported in the literature in individuals affected with RBP3-related conditions. ClinVar contains an entry for this variant (Variation ID: 299979). An algorithm developed to predict the effect of missense changes on protein structure and function (PolyPhen-2) suggests that this variant is likely to be disruptive. In summary, the available evidence is currently insufficient to determine the role of this variant in disease. Therefore, it has been classified as a Variant of Uncertain Significance.

Ambry Genetics
Classification: Uncertain significance for Inborn genetic diseases. Last evaluated: 2022-01-07. Review status: criteria provided, single submitter. Criteria: Ambry Variant Classification Scheme 2023. Collection method: clinical testing. Allele origin: germline.

Illumina Laboratory Services, Illumina
Classification: Uncertain significance for Retinitis pigmentosa. Last evaluated: 2018-01-13. Review status: criteria provided, single submitter. Criteria: ICSL Variant Classification Criteria 13 December 2019. Collection method: clinical testing. Allele origin: germline.

NM_002900.3(RBP3):c.1754C>A (p.Pro585His)

Gene: RBP3 (retinol binding protein 3; plus strand). Cytogenetic location: 10q11.22.
Variant type: single nucleotide variant.
Coding change: c.1754C>A on transcript NM_002900.3 (MANE Select); coding-DNA position 1754, C replaced by A.
Protein change: p.Pro585His; replaces proline 585 with histidine.
Molecular consequence: missense variant.
Genome position (GRCh38, 1-based): chr10:47,350,238, C>A. VCF-style: chr10-47350238-C-A. GRCh37 (hg19) VCF-style: chr10-48389124-G-T.
Other names: short protein forms P585H.
Identifiers: ClinVar variation 299979 (VCV000299979.12), dbSNP rs781830183, ClinGen allele CA5487446.
Genomic context (GRCh38, chr10:47,350,238, plus strand): 5'-TAGGTGAGATCACCGCGGGCAACCTGCTGCACACCCGCACGGTGCCGCTGCTGGACACAC[C>A]CGAAGGCAGCCTCGCGCTCACCGTGCCGGTCCTCACCTTCATCGACAATCACGGCGAGGC-3'
Protein context (NP_002891.1, residues 575-595): HTRTVPLLDT[Pro585His]EGSLALTVPV